The following is an entry in ClinVar:

ClinVar aggregate classification (germline): Likely benign. Review status: criteria provided, single submitter (1 of 4 stars). 2 submissions from 2 submitters: Likely benign (1). 1 of the submissions does not count toward it. Last evaluated 2026-07-01.

Conditions:
ITSN1-related disorder. Also called: ITSN1-related condition.

Allele frequency attached by ClinVar (database versions not stated): TOPMed 0.00003; gnomAD 0.00017; gnomAD exomes 0.00033; ExAC 0.00086; 1000 Genomes Project 0.00160; 1000 Genomes Project 30x 0.00203.
gnomAD v4.1: 513 of 1,614,160 alleles (0.032%); highest among the groups gnomAD compares: South Asian, 0.53%; 6 homozygotes.

Submissions (2):

CeGaT Center for Human Genetics Tuebingen
Classification: Likely benign. Last evaluated: 2026-07-01. Review status: criteria provided, single submitter. Criteria: CeGaT Center For Human Genetics Tuebingen Variant Classification Criteria Version 2. Collection method: clinical testing. Allele origin: germline. Affected: yes. Observed: 1 variant allele.
Comment: ITSN1: BS1

PreventionGenetics, part of Exact Sciences
Classification: Likely benign for ITSN1-related condition. Last evaluated: 2023-07-07. Review status: no assertion criteria provided. Collection method: clinical testing. Allele origin: germline. Not counted in ClinVar's aggregate classification.
Comment: This variant is classified as likely benign based on ACMG/AMP sequence variant interpretation guidelines (Richards et al. 2015 PMID: 25741868, with internal and published modifications).

NM_003024.3(ITSN1):c.3700A>G (p.Thr1234Ala)

Gene: ITSN1 (intersectin 1; plus strand). Cytogenetic location: 21q22.11.
Variant type: single nucleotide variant.
Coding change: c.3700A>G on transcript NM_003024.3 (MANE Select); coding-DNA position 3700, A replaced by G.
Protein change: p.Thr1234Ala; replaces threonine 1234 with alanine.
Molecular consequence: missense variant.
Genome position (GRCh38, 1-based): chr21:33,856,774, A>G. VCF-style: chr21-33856774-A-G. GRCh37 (hg19) VCF-style: chr21-35229078-A-G.
Other names: c.3685A>G, p.Thr1229Ala (NM_001331010.2); short protein forms T1229A, T1234A.
Identifiers: ClinVar variation 3032326 (VCV003032326.3), dbSNP rs542782139, ClinGen allele CA10012243.
Genomic context (GRCh38, chr21:33,856,774, plus strand): 5'-CCCAAATGGTTGTGTTTTCCAGGGTGTTCAGACTTACATCTCTTGGATATGTTGACCCCA[A>G]CTGAAAGAAAGCGACAAGGATACATCCACGAGCTCATTGTCACCGAGGAGAACTATGTGA-3'
Protein context (NP_003015.2, residues 1224-1244): DLHLLDMLTP[Thr1234Ala]ERKRQGYIHE